The following is an entry in ClinVar:

ClinVar aggregate classification (germline): Uncertain significance (1 of 4 stars; one submission).

Submission:

Dasa
Classification: Uncertain significance. Last evaluated: 2025-10-30. Review status: criteria provided, single submitter. Criteria: DASA Assertion Criteria. Collection method: clinical testing. Allele origin: germline.
Comment: NM_014727.3(KMT2B):c.3790-4A>G is a splice-region variant predicted to affect normal RNA splicing. This variant is rare in population databases. Computational prediction algorithms are consistent with a deleterious effect. The currently available literature and clinical evidence are not sufficient to establish a definitive association between this variant and the reported condition. Therefore, this variant is classified as a variant of uncertain significance.

NM_014727.3(KMT2B):c.3790-4A>G

Gene: KMT2B (lysine methyltransferase 2B; plus strand). Cytogenetic location: 19q13.12.
Variant type: single nucleotide variant.
Coding change: c.3790-4A>G on transcript NM_014727.3 (MANE Select); 4 bases into the intron before coding-DNA position 3790, A replaced by G.
Molecular consequence: intron variant.
Genome position (GRCh38, 1-based): chr19:35,725,719, A>G. VCF-style: chr19-35725719-A-G. GRCh37 (hg19) VCF-style: chr19-36216620-A-G.
Identifiers: ClinVar variation 4886104 (VCV004886104.2).